The following is an entry in ClinVar:

NM_006949.4(STXBP2):c.208A>G (p.Ser70Gly)

Gene: STXBP2 (syntaxin binding protein 2; plus strand). Cytogenetic location: 19p13.2.
Variant type: single nucleotide variant.
Coding change: c.208A>G on transcript NM_006949.4 (MANE Select); coding-DNA position 208, A replaced by G.
Protein change: p.Ser70Gly; replaces serine 70 with glycine.
Molecular consequence: missense variant. On other transcripts: non-coding transcript variant (1).
Genome position (GRCh38, 1-based): chr19:7,639,769, A>G. VCF-style: chr19-7639769-A-G. GRCh37 (hg19) VCF-style: chr19-7704655-A-G.
Other names: c.208A>G, p.Ser70Gly (NM_001127396.3, NM_001272034.2); c.112A>G, p.Ser38Gly (NM_001414484.1); short protein forms S70G, S38G.
Identifiers: ClinVar variation 2095132 (VCV002095132.4), dbSNP rs781116703, ClinGen allele CA9143170.

ClinVar aggregate classification (germline): Uncertain significance (1 of 4 stars; one submission).

Conditions:
Familial hemophagocytic lymphohistiocytosis 5. Also called: STXBP2-Related Familial Hemophagocytic Lymphohistiocytosis (STXBP2-fHLH). Identifiers: Orphanet 540, MedGen C2751293, MONDO:0013135, OMIM 613101.

Allele frequency attached by ClinVar (database versions not stated): gnomAD exomes below 0.00001; ExAC 0.00001; TOPMed 0.00001.
gnomAD v4.1: 1 of 1,613,794 alleles (0.000062%); highest among the groups gnomAD compares: South Asian, 0.0011%; no homozygotes.

Submission:

Labcorp Genetics (formerly Invitae), Labcorp
Classification: Uncertain significance for Familial hemophagocytic lymphohistiocytosis 5. Last evaluated: 2022-09-06. Review status: criteria provided, single submitter. Criteria: Invitae Variant Classification Sherloc (09022015). Collection method: clinical testing. Allele origin: germline.
Comment: In summary, the available evidence is currently insufficient to determine the role of this variant in disease. Therefore, it has been classified as a Variant of Uncertain Significance. Algorithms developed to predict the effect of missense changes on protein structure and function are either unavailable or do not agree on the potential impact of this missense change (SIFT: "Deleterious"; PolyPhen-2: "Benign"; Align-GVGD: "Class C0"). This variant has not been reported in the literature in individuals affected with STXBP2-related conditions. This variant is present in population databases (rs781116703, gnomAD 0.003%). This sequence change replaces serine, which is neutral and polar, with glycine, which is neutral and non-polar, at codon 70 of the STXBP2 protein (p.Ser70Gly).